The following is an entry in ClinVar:

ClinVar aggregate classification (germline): Uncertain significance (1 of 4 stars; one submission).

Allele frequency attached by ClinVar (database versions not stated): ExAC 0.00001; gnomAD 0.00001; TOPMed 0.00004; ESP Exome Variant Server 0.00008.
gnomAD v4.1: 4 of 1,613,002 alleles (0.00025%); highest among the groups gnomAD compares: African/African-American, 0.0053%; no homozygotes.

Submission:

Labcorp Genetics (formerly Invitae), Labcorp
Classification: Uncertain significance. Last evaluated: 2025-01-07. Review status: criteria provided, single submitter. Criteria: Invitae Variant Classification Sherloc (09022015). Collection method: clinical testing. Allele origin: germline.
Comment: This sequence change replaces valine, which is neutral and non-polar, with leucine, which is neutral and non-polar, at codon 186 of the NOG protein (p.Val186Leu). The frequency data for this variant in the population databases is considered unreliable, as metrics indicate poor data quality at this position in the gnomAD database. This variant has not been reported in the literature in individuals affected with NOG-related conditions. ClinVar contains an entry for this variant (Variation ID: 1960997). An algorithm developed to predict the effect of missense changes on protein structure and function (PolyPhen-2) suggests that this variant is likely to be disruptive. In summary, the available evidence is currently insufficient to determine the role of this variant in disease. Therefore, it has been classified as a Variant of Uncertain Significance.

NM_005450.6(NOG):c.556G>T (p.Val186Leu)

Gene: NOG (noggin; plus strand). Cytogenetic location: 17q22.
Variant type: single nucleotide variant.
Coding change: c.556G>T on transcript NM_005450.6 (MANE Select); coding-DNA position 556, G replaced by T.
Protein change: p.Val186Leu; replaces valine 186 with leucine.
Molecular consequence: missense variant.
Genome position (GRCh38, 1-based): chr17:56,594,779, G>T. VCF-style: chr17-56594779-G-T. GRCh37 (hg19) VCF-style: chr17-54672140-G-T.
Other names: short protein forms V186L.
Identifiers: ClinVar variation 1960997 (VCV001960997.5), dbSNP rs372604336, ClinGen allele CA8663218.